The following is an entry in ClinVar:

ClinVar aggregate classification (germline): Uncertain significance (1 of 4 stars; one submission).

Submission:

Labcorp Genetics (formerly Invitae), Labcorp
Classification: Uncertain significance. Last evaluated: 2024-01-17. Review status: criteria provided, single submitter. Criteria: Invitae Variant Classification Sherloc (09022015). Collection method: clinical testing. Allele origin: germline.
Comment: This sequence change replaces serine, which is neutral and polar, with leucine, which is neutral and non-polar, at codon 2532 of the NSD1 protein (p.Ser2532Leu). This variant is not present in population databases (gnomAD no frequency). This variant has not been reported in the literature in individuals affected with NSD1-related conditions. ClinVar contains an entry for this variant (Variation ID: 1715255). Advanced modeling of protein sequence and biophysical properties (such as structural, functional, and spatial information, amino acid conservation, physicochemical variation, residue mobility, and thermodynamic stability) performed at Invitae indicates that this missense variant is not expected to disrupt NSD1 protein function with a negative predictive value of 95%. In summary, the available evidence is currently insufficient to determine the role of this variant in disease. Therefore, it has been classified as a Variant of Uncertain Significance.

NM_022455.5(NSD1):c.7595C>T (p.Ser2532Leu)

Gene: NSD1 (nuclear receptor binding SET domain protein 1; plus strand). Cytogenetic location: 5q35.3.
Variant type: single nucleotide variant.
Coding change: c.7595C>T on transcript NM_022455.5 (MANE Select); coding-DNA position 7595, C replaced by T.
Protein change: p.Ser2532Leu; replaces serine 2532 with leucine.
Molecular consequence: missense variant.
Genome position (GRCh38, 1-based): chr5:177,294,963, C>T. VCF-style: chr5-177294963-C-T. GRCh37 (hg19) VCF-style: chr5-176721964-C-T.
Other names: c.6722C>T, p.Ser2241Leu (NM_001365684.2, NM_001409308.1, NM_172349.5); c.7595C>T, p.Ser2532Leu (NM_001409301.1, NM_001409302.1, NM_001409303.1); c.7175C>T, p.Ser2392Leu (NM_001409304.1); c.6842C>T, p.Ser2281Leu (NM_001409305.1); c.6833C>T, p.Ser2278Leu (NM_001409306.1, NM_001409307.1); c.6473C>T, p.Ser2158Leu (NM_001409309.1); short protein forms S2158L, S2241L, S2263L, S2278L, S2281L, S2392L, S2532L.
Identifiers: ClinVar variation 1715255 (VCV001715255.6), dbSNP rs2127283667, ClinGen allele CA362333418.